The following is an entry in ClinVar:

ClinVar aggregate classification (germline): Uncertain significance. Review status: criteria provided, multiple submitters, no conflicts (2 of 4 stars). 2 submissions from 2 submitters: Uncertain significance (2). Last evaluated 2023-06-21.

Conditions:
Neurodevelopmental disorder. Identifiers: MedGen C1535926, MeSH D065886, MONDO:0700092.

Submissions (2):

GeneDx
Classification: Uncertain significance. Last evaluated: 2023-06-21. Review status: criteria provided, single submitter. Criteria: GeneDx Variant Classification Process June 2021. Collection method: clinical testing. Allele origin: germline. Affected: yes.
Comment: Not observed at significant frequency in large population cohorts (gnomAD); In silico analysis supports that this missense variant has a deleterious effect on protein structure/function; Has not been previously published as pathogenic or benign to our knowledge

Laboratory of Molecular Genetics (Pr. Bezieau's lab), CHU de Nantes
Classification: Uncertain significance for Neurodevelopmental disorder. Last evaluated: 2020-06-01. Review status: criteria provided, single submitter. Criteria: ACMG Guidelines, 2015. Collection method: clinical testing. Allele origin: germline. Affected: yes.

NM_005859.5(PURA):c.265G>A (p.Ala89Thr)

Gene: PURA (purine rich element binding protein A; plus strand). Cytogenetic location: 5q31.3.
Variant type: single nucleotide variant.
Coding change: c.265G>A on transcript NM_005859.5 (MANE Select); coding-DNA position 265, G replaced by A.
Protein change: p.Ala89Thr; replaces alanine 89 with threonine.
Molecular consequence: missense variant.
Genome position (GRCh38, 1-based): chr5:140,114,446, G>A. VCF-style: chr5-140114446-G-A. GRCh37 (hg19) VCF-style: chr5-139494031-G-A.
Other names: short protein forms A89T.
Identifiers: ClinVar variation 633531 (VCV000633531.3), dbSNP rs587782999, ClinGen allele CA361490385.